The following is an entry in ClinVar:

ClinVar aggregate classification (germline): Uncertain significance (1 of 4 stars; one submission).

Conditions:
Dystonic disorder. Also called: Dystonia. Identifiers: MedGen C0013421, MONDO:0003441, HP:0001332.

Allele frequency attached by ClinVar (database versions not stated): TOPMed 0.00001.
gnomAD v4.1: 17 of 1,512,198 alleles (0.0011%); highest among the groups gnomAD compares: East Asian, 0.0028%; no homozygotes.

Submission:

Labcorp Genetics (formerly Invitae), Labcorp
Classification: Uncertain significance for Dystonic disorder. Last evaluated: 2018-07-24. Review status: criteria provided, single submitter. Criteria: Invitae Variant Classification Sherloc (09022015). Collection method: clinical testing. Allele origin: germline.
Comment: In summary, the available evidence is currently insufficient to determine the role of this variant in disease. Therefore, it has been classified as a Variant of Uncertain Significance. Algorithms developed to predict the effect of missense changes on protein structure and function output the following: SIFT: "Tolerated"; PolyPhen-2: "Benign"; Align-GVGD: "Class C0". The glutamine amino acid residue is found in multiple mammalian species, suggesting that this missense change does not adversely affect protein function. These predictions have not been confirmed by published functional studies and their clinical significance is uncertain. This variant has not been reported in the literature in individuals with GNAL-related disease. While this variant is not present in population databases, the frequency information is unreliable, as metrics indicate poor data quality at this position in the ExAC database. This sequence change replaces arginine with glutamine at codon 65 of the GNAL protein (p.Arg65Gln). The arginine residue is weakly conserved and there is a small physicochemical difference between arginine and glutamine. The GNAL gene has multiple clinically relevant transcripts. The p.Arg65Gln variant occurs in the alternate transcript NM_182978.3, which corresponds to position c.-62052G>A in NM_001142339.2, the primary transcript listed in the Methods.

NM_182978.4(GNAL):c.194G>A (p.Arg65Gln)

Gene: GNAL (G protein subunit alpha L; plus strand). Cytogenetic location: 18p11.21.
Variant type: single nucleotide variant.
Coding change: c.194G>A on transcript NM_182978.4 (MANE Select); coding-DNA position 194, G replaced by A.
Protein change: p.Arg65Gln; replaces arginine 65 with glutamine.
Molecular consequence: missense variant.
Genome position (GRCh38, 1-based): chr18:11,689,757, G>A. VCF-style: chr18-11689757-G-A. GRCh37 (hg19) VCF-style: chr18-11689756-G-A.
Other names: short protein forms R65Q.
Identifiers: ClinVar variation 655904 (VCV000655904.7), dbSNP rs1005314490, ClinGen allele CA401927474.